The following is an entry in ClinVar:

NM_003626.5(PPFIA1):c.1869C>T (p.Ala623=)

Gene: PPFIA1 (PTPRF interacting protein alpha 1; plus strand). Cytogenetic location: 11q13.3.
Variant type: single nucleotide variant.
Coding change: c.1869C>T on transcript NM_003626.5 (MANE Select); coding-DNA position 1869, C replaced by T.
Protein change: p.Ala623=; no amino-acid change (alanine 623 retained).
Molecular consequence: synonymous variant. On other transcripts: non-coding transcript variant (1).
Genome position (GRCh38, 1-based): chr11:70,343,830, C>T. VCF-style: chr11-70343830-C-T. GRCh37 (hg19) VCF-style: chr11-70189936-C-T.
Other names: c.1944C>T, p.Ala648= (NM_001378006.1); c.1869C>T, p.Ala623= (NM_177423.3).
Identifiers: ClinVar variation 3051857 (VCV003051857.2), dbSNP rs149630964, ClinGen allele CA6159145.

ClinVar aggregate classification (germline): Likely benign (0 of 4 stars; one submission).

Conditions:
PPFIA1-related disorder. Also called: PPFIA1-related condition.

Allele frequency attached by ClinVar (database versions not stated): ExAC 0.00012; gnomAD 0.00013; TOPMed 0.00022; ESP Exome Variant Server 0.00023.
gnomAD v4.1: 149 of 1,614,000 alleles (0.0092%); highest among the groups gnomAD compares: South Asian, 0.052%; 1 homozygote.

Submission:

PreventionGenetics, part of Exact Sciences
Classification: Likely benign for PPFIA1-related condition. Last evaluated: 2019-04-25. Review status: no assertion criteria provided. Collection method: clinical testing. Allele origin: germline.
Comment: This variant is classified as likely benign based on ACMG/AMP sequence variant interpretation guidelines (Richards et al. 2015 PMID: 25741868, with internal and published modifications).